The following is an entry in ClinVar:

ClinVar aggregate classification (germline): Uncertain significance. Review status: criteria provided, multiple submitters, no conflicts (2 of 4 stars). 3 submissions from 3 submitters: Uncertain significance (3). Last evaluated 2025-10-27.

Conditions:
Stormorken syndrome (STRMK). Also called: THROMBOCYTOPATHY, ASPLENIA, AND MIOSIS. Identifiers: Orphanet 3204, MedGen C1861451, MONDO:0008497, OMIM 185070.
Myopathy with tubular aggregates (TAM). Also called: Tubular Aggregate Myopathy. Identifiers: Orphanet 2593, MedGen C0410207, MONDO:0008051.
Combined immunodeficiency due to STIM1 deficiency. Also called: IMMUNODEFICIENCY 10; STIM1 DEFICIENCY. Identifiers: Orphanet 169090, Orphanet 317430, MedGen C2748557, MONDO:0013008, OMIM 612783.
Inborn genetic diseases. Identifiers: MedGen C0950123, MeSH D030342.

Allele frequency attached by ClinVar (database versions not stated): gnomAD 0.00011 and 0.00015; gnomAD exomes 0.00013 and 0.00016; 1000 Genomes Project 30x 0.00016; ESP Exome Variant Server 0.00008; TOPMed 0.00011; 1000 Genomes Project 0.00020; ExAC 0.00021.
gnomAD v4.1: 216 of 1,614,198 alleles (0.013%); highest among the groups gnomAD compares: South Asian, 0.055%; 2 homozygotes.

Submissions (3):

Labcorp Genetics (formerly Invitae), Labcorp
Classification: Uncertain significance for Myopathy with tubular aggregates; Combined immunodeficiency due to STIM1 deficiency; Stormorken syndrome. Last evaluated: 2025-10-27. Review status: criteria provided, single submitter. Criteria: Invitae Variant Classification Sherloc (09022015). Collection method: clinical testing. Allele origin: germline.
Comment: This sequence change replaces alanine, which is neutral and non-polar, with threonine, which is neutral and polar, at codon 654 of the STIM1 protein (p.Ala654Thr). This variant is present in population databases (rs201466902, gnomAD 0.05%), including at least one homozygous and/or hemizygous individual. This variant has not been reported in the literature in individuals affected with STIM1-related conditions. ClinVar contains an entry for this variant (Variation ID: 530877). Invitae Evidence Modeling of protein sequence and biophysical properties (such as structural, functional, and spatial information, amino acid conservation, physicochemical variation, residue mobility, and thermodynamic stability) has been performed for this missense variant. However, the output from this modeling did not meet the statistical confidence thresholds required to predict the impact of this variant on STIM1 protein function. In summary, the available evidence is currently insufficient to determine the role of this variant in disease. Therefore, it has been classified as a Variant of Uncertain Significance.

GeneDx
Classification: Uncertain significance. Last evaluated: 2024-08-19. Review status: criteria provided, single submitter. Criteria: GeneDx Variant Classification Process June 2021. Collection method: clinical testing. Allele origin: germline. Affected: yes.
Comment: In silico analysis indicates that this missense variant does not alter protein structure/function; Has not been previously published as pathogenic or benign to our knowledge

Ambry Genetics
Classification: Uncertain significance for Inborn genetic diseases. Last evaluated: 2021-10-22. Review status: criteria provided, single submitter. Criteria: Ambry Variant Classification Scheme 2023. Collection method: clinical testing. Allele origin: germline.

NM_001382567.1(STIM1):c.2053G>A (p.Ala685Thr)

Genes: STIM1 (stromal interaction molecule 1; plus strand), LOC124418421 (Sharpr-MPRA regulatory region 9588; plus strand). Cytogenetic location: 11p15.4.
Variant type: single nucleotide variant.
Coding change: c.2053G>A on transcript NM_001382567.1 (MANE Select); coding-DNA position 2053, G replaced by A.
Protein change: p.Ala685Thr; replaces alanine 685 with threonine.
Molecular consequence: missense variant. On other transcripts: 3 prime UTR variant (4), non-coding transcript variant (3).
Genome position (GRCh38, 1-based): chr11:4,091,700, G>A. VCF-style: chr11-4091700-G-A. GRCh37 (hg19) VCF-style: chr11-4112930-G-A.
Other names: c.2278G>A, p.Ala760Thr (NM_001277961.3); c.*374G>A (NM_001277962.2, NM_001382578.1, NM_001382579.1 and 1 more transcripts); c.2056G>A, p.Ala686Thr (NM_001382566.1); c.1981G>A, p.Ala661Thr (NM_001382568.1); c.1825G>A, p.Ala609Thr (NM_001382569.1); c.1732G>A, p.Ala578Thr (NM_001382570.1); c.1480G>A, p.Ala494Thr (NM_001382571.1); c.1738G>A, p.Ala580Thr (NM_001382575.1, NM_001382576.1, NM_001382577.1); and 2 more; short protein forms A654T, A760T, A491T, A494T, A578T, A580T, A609T, A661T.
Identifiers: ClinVar variation 530877 (VCV000530877.11), dbSNP rs201466902, ClinGen allele CA5830655.
Genomic context (GRCh38, chr11:4,091,700, plus strand): 5'-CGAGCCCTGCAAGCCAGCCGAAACACACGCATTCCCCACCTGGCTGGCAAGAAGGCTGTG[G>A]CTGAGGAGGATAATGGCTCTATTGGCGAGGAAACAGACTCCAGCCCAGGCCGGAAGAAGT-3'
Protein context (NP_001369496.1, residues 675-695): IPHLAGKKAV[Ala685Thr]EEDNGSIGEE